The following is an entry in ClinVar:

NM_133642.5(LARGE1):c.1730+286A>G

Gene: LARGE1 (LARGE xylosyl- and glucuronyltransferase 1; minus strand). Cytogenetic location: 22q12.3.
Variant type: single nucleotide variant.
Coding change: c.1730+286A>G on transcript NM_133642.5 (MANE Select); 286 bases into the intron after coding-DNA position 1730, A replaced by G.
Molecular consequence: intron variant.
Genome position (GRCh38, 1-based): chr22:33,303,943, T>C on the plus strand (A>G on the coding strand, the complement: LARGE1 is on the minus strand). VCF-style: chr22-33303943-T-C. GRCh37 (hg19) VCF-style: chr22-33699929-T-C.
Other names: c.1730+286A>G (NM_001362953.2, NM_001362949.2, NM_001378627.1 and 6 more transcripts); c.1574+286A>G (NM_001378629.1); c.971+286A>G (NM_001378631.1); c.1127+286A>G (NM_001378630.1).
Identifiers: ClinVar variation 668921 (VCV000668921.1), dbSNP rs73166234, ClinGen allele CA14938761.

ClinVar aggregate classification (germline): Benign (1 of 4 stars; one submission).

Allele frequency attached by ClinVar (database versions not stated): gnomAD 0.05117 and 0.05185; 1000 Genomes Project 0.05272; 1000 Genomes Project 30x 0.05450; TOPMed 0.05488.
gnomAD v4.1: 7,830 of 152,266 alleles (5.1%); highest among the groups gnomAD compares: African/African-American, 7.1%; 253 homozygotes.

Submission:

GeneDx
Classification: Benign. Last evaluated: 2018-06-18. Review status: criteria provided, single submitter. Criteria: GeneDx Variant Classification (06012015). Collection method: clinical testing. Allele origin: germline. Affected: yes.
Comment: This variant is considered likely benign or benign based on one or more of the following criteria: it is a conservative change, it occurs at a poorly conserved position in the protein, it is predicted to be benign by multiple in silico algorithms, and/or has population frequency not consistent with disease.